The following is an entry in ClinVar:

NM_001365276.2(TNXB):c.3372dup (p.Lys1125fs)

Gene: TNXB (tenascin XB; minus strand). Cytogenetic location: 6p21.33.
Variant type: Duplication.
Coding change: c.3372dup on transcript NM_001365276.2 (MANE Select); coding-DNA position 3372, one base duplicated (C; older notation c.3372dupC).
Protein change: p.Lys1125fs; shifts the reading frame from lysine 1125.
Molecular consequence: frameshift variant.
Genome position (GRCh38, 1-based): chr6:32,084,486, G duplicated on the plus strand (C on the coding strand, the reverse complement: TNXB is on the minus strand). VCF-style (leftmost placement, unchanged base first): chr6-32084485-T-TG. GRCh37 (hg19) VCF-style: chr6-32052262-T-TG.
Other names: c.4113dup, p.Lys1372fs (NM_001428335.1); c.3372dup, p.Lys1125fs (NM_019105.8); c.3372dupC (NM_019105.8); short protein forms K1125fs, K1372fs.
Identifiers: ClinVar variation 3769358 (VCV003769358.2).

ClinVar aggregate classification (germline): Pathogenic (1 of 4 stars; one submission).

Conditions:
Ehlers-Danlos syndrome due to tenascin-X deficiency (EDSCLL1). Also called: TNXB-Related Classical-Like Ehlers-Danlos Syndrome; TNX DEFICIENCY; EHLERS-DANLOS SYNDROME, CLASSIC-LIKE; Ehlers-Danlos syndrome, classic-like, 1; EDS DUE TO TNX DEFICIENCY. Identifiers: Orphanet 230839, MedGen C1848029, MONDO:0011670, OMIM 606408.

Submission:

Women's Health and Genetics/Laboratory Corporation of America, LabCorp
Classification: Pathogenic for Ehlers-Danlos syndrome due to tenascin-X deficiency. Last evaluated: 2025-01-28. Review status: criteria provided, single submitter. Criteria: LabCorp Variant Classification Summary - May 2015. Collection method: clinical testing. Allele origin: germline.
Comment: Variant summary: TNXB c.3372dupC (p.Lys1125GlnfsX21) results in a premature termination codon, predicted to cause a truncation of the encoded protein or absence of the protein due to nonsense mediated decay, which are commonly known mechanisms for disease. The variant was absent in 244064 control chromosomes. To our knowledge, no occurrence of c.3372dupC in individuals affected with Ehlers-Danlos syndrome due to tenascin-X deficiency and no experimental evidence demonstrating its impact on protein function have been reported. No submitters have cited clinical-significance assessments for this variant to ClinVar. Based on the evidence outlined above, the variant was classified as pathogenic.